The following is an entry in ClinVar:

ClinVar aggregate classification (germline): Conflicting classifications of pathogenicity. Review status: criteria provided, conflicting classifications (1 of 4 stars). 3 submissions from 3 submitters: Uncertain significance (2); Likely benign (1). Last evaluated 2026-07-20.

Conditions:
Inborn genetic diseases. Identifiers: MedGen C0950123, MeSH D030342.
KDM4B-related disorder. Also called: KDM4B-related condition.

Allele frequency attached by ClinVar (database versions not stated): ExAC 0.00001; gnomAD 0.00002; TOPMed 0.00004.
gnomAD v4.1: 47 of 1,612,632 alleles (0.0029%); highest among the groups gnomAD compares: Middle Eastern, 0.016%; no homozygotes.

Submissions (3):

PreventionGenetics, part of Exact Sciences
Classification: Likely benign for KDM4B-related condition. Last evaluated: 2026-07-20. Review status: criteria provided, single submitter. Criteria: ACMG Guidelines, 2015. Collection method: clinical testing. Allele origin: germline.
Comment: This variant is classified as likely benign based on ACMG/AMP sequence variant interpretation guidelines (Richards et al. 2015 PMID: 25741868, with internal and published modifications).

Ambry Genetics
Classification: Uncertain significance for Inborn genetic diseases. Last evaluated: 2025-08-27. Review status: criteria provided, single submitter. Criteria: Ambry Variant Classification Scheme 2023. Collection method: clinical testing. Allele origin: germline.

Labcorp Genetics (formerly Invitae), Labcorp
Classification: Uncertain significance. Last evaluated: 2024-05-28. Review status: criteria provided, single submitter. Criteria: Invitae Variant Classification Sherloc (09022015). Collection method: clinical testing. Allele origin: germline.
Comment: This sequence change replaces arginine, which is basic and polar, with cysteine, which is neutral and slightly polar, at codon 828 of the KDM4B protein (p.Arg828Cys). This variant is present in population databases (rs752309644, gnomAD 0.005%). This variant has not been reported in the literature in individuals affected with KDM4B-related conditions. An algorithm developed to predict the effect of missense changes on protein structure and function (PolyPhen-2) suggests that this variant is likely to be disruptive. In summary, the available evidence is currently insufficient to determine the role of this variant in disease. Therefore, it has been classified as a Variant of Uncertain Significance.

NM_015015.3(KDM4B):c.2482C>T (p.Arg828Cys)

Gene: KDM4B (lysine demethylase 4B; plus strand). Cytogenetic location: 19p13.3.
Variant type: single nucleotide variant.
Coding change: c.2482C>T on transcript NM_015015.3 (MANE Select); coding-DNA position 2482, C replaced by T.
Protein change: p.Arg828Cys; replaces arginine 828 with cysteine.
Molecular consequence: missense variant.
Genome position (GRCh38, 1-based): chr19:5,138,002, C>T. VCF-style: chr19-5138002-C-T. GRCh37 (hg19) VCF-style: chr19-5138013-C-T.
Other names: c.2584C>T, p.Arg862Cys (NM_001411148.1); c.2482C>T (NM_015015.2); short protein forms R828C, R862C.
Identifiers: ClinVar variation 2729364 (VCV002729364.5), dbSNP rs752309644, ClinGen allele CA9108271.